The following is an entry in ClinVar:

ClinVar aggregate classification (germline): Uncertain significance (1 of 4 stars; one submission).

gnomAD v4.1: 11 of 1,462,160 alleles (0.00075%); highest among the groups gnomAD compares: Admixed American, 0.025%; no homozygotes.

Submission:

GeneDx
Classification: Uncertain significance. Last evaluated: 2024-12-03. Review status: criteria provided, single submitter. Criteria: GeneDx Variant Classification Process June 2021. Collection method: clinical testing. Allele origin: germline. Affected: yes.
Comment: Not observed at significant frequency in large population cohorts (gnomAD); Has not been previously published as pathogenic or benign to our knowledge; In silico analysis is inconclusive as to whether the variant alters gene splicing. In the absence of RNA/functional studies, the actual effect of this sequence change is unknown.; Located in a regulatory region; in the absence of functional studies, the actual effect of this sequence change is unknown

NM_001363118.2(SLC52A2):c.-110-4C>G

Gene: SLC52A2 (solute carrier family 52 member 2; plus strand). Cytogenetic location: 8q24.3.
Variant type: single nucleotide variant.
Coding change: c.-110-4C>G on transcript NM_001363118.2 (MANE Select); 4 bases into the intron before 110 bases upstream of the start codon, C replaced by G.
Molecular consequence: intron variant.
Genome position (GRCh38, 1-based): chr8:144,359,180, C>G. VCF-style: chr8-144359180-C-G. GRCh37 (hg19) VCF-style: chr8-145582840-C-G.
Other names: c.-110-4C>G (NM_001253816.2, NM_001363120.2, NM_024531.5 and 1 more transcripts); c.-106-8C>G (NM_001363121.2, NM_001253815.2).
Identifiers: ClinVar variation 1304288 (VCV001304288.3), dbSNP rs1286172169, ClinGen allele CA585823928.